The following is an entry in ClinVar:

NM_201550.4(LRRC10):c.803C>T (p.Pro268Leu)

Gene: LRRC10 (leucine rich repeat containing 10; minus strand). Cytogenetic location: 12q15.
Variant type: single nucleotide variant.
Coding change: c.803C>T on transcript NM_201550.4 (MANE Select); coding-DNA position 803, C replaced by T.
Protein change: p.Pro268Leu; replaces proline 268 with leucine.
Molecular consequence: missense variant.
Genome position (GRCh38, 1-based): chr12:69,610,036, G>A on the plus strand (C>T on the coding strand, the complement: LRRC10 is on the minus strand). VCF-style: chr12-69610036-G-A. GRCh37 (hg19) VCF-style: chr12-70003816-G-A.
Other names: short protein forms P268L.
Identifiers: ClinVar variation 2721549 (VCV002721549.3), dbSNP rs2499031874, ClinGen allele CA385735036.

ClinVar aggregate classification (germline): Uncertain significance (1 of 4 stars; one submission).

Allele frequency attached by ClinVar (database versions not stated): gnomAD exomes below 0.00001.

Submission:

Labcorp Genetics (formerly Invitae), Labcorp
Classification: Uncertain significance. Last evaluated: 2023-10-23. Review status: criteria provided, single submitter. Criteria: Invitae Variant Classification Sherloc (09022015). Collection method: clinical testing. Allele origin: germline.
Comment: This sequence change replaces proline, which is neutral and non-polar, with leucine, which is neutral and non-polar, at codon 268 of the LRRC10 protein (p.Pro268Leu). This variant is not present in population databases (gnomAD no frequency). This variant has not been reported in the literature in individuals affected with LRRC10-related conditions. Algorithms developed to predict the effect of missense changes on protein structure and function output the following: SIFT: "Not Available"; PolyPhen-2: "Benign"; Align-GVGD: "Not Available". The leucine amino acid residue is found in multiple mammalian species, which suggests that this missense change does not adversely affect protein function. In summary, the available evidence is currently insufficient to determine the role of this variant in disease. Therefore, it has been classified as a Variant of Uncertain Significance.